The following is an entry in ClinVar:

NM_001145809.2(MYH14):c.2816G>A (p.Arg939Gln)

Gene: MYH14 (myosin heavy chain 14; plus strand). Cytogenetic location: 19q13.33.
Variant type: single nucleotide variant.
Coding change: c.2816G>A on transcript NM_001145809.2 (MANE Select); coding-DNA position 2816, G replaced by A.
Protein change: p.Arg939Gln; replaces arginine 939 with glutamine.
Molecular consequence: missense variant.
Genome position (GRCh38, 1-based): chr19:50,266,998, G>A. VCF-style: chr19-50266998-G-A. GRCh37 (hg19) VCF-style: chr19-50770255-G-A.
Other names: c.2717G>A, p.Arg906Gln (NM_001077186.2); c.2693G>A, p.Arg898Gln (NM_024729.4); short protein forms R898Q, R906Q, R939Q.
Identifiers: ClinVar variation 1720313 (VCV001720313.5), dbSNP rs866664669, ClinGen allele CA406947754.

ClinVar aggregate classification (germline): Uncertain significance (1 of 4 stars; one submission).

gnomAD v4.1: 4 of 1,565,044 alleles (0.00026%); highest among the groups gnomAD compares: Middle Eastern, 0.02%; no homozygotes.

Submission:

Labcorp Genetics (formerly Invitae), Labcorp
Classification: Uncertain significance. Last evaluated: 2022-11-23. Review status: criteria provided, single submitter. Criteria: Invitae Variant Classification Sherloc (09022015). Collection method: clinical testing. Allele origin: germline.
Comment: This sequence change replaces arginine, which is basic and polar, with glutamine, which is neutral and polar, at codon 898 of the MYH14 protein (p.Arg898Gln). In summary, the available evidence is currently insufficient to determine the role of this variant in disease. Therefore, it has been classified as a Variant of Uncertain Significance. Advanced modeling of protein sequence and biophysical properties (such as structural, functional, and spatial information, amino acid conservation, physicochemical variation, residue mobility, and thermodynamic stability) performed at Invitae indicates that this missense variant is not expected to disrupt MYH14 protein function. This variant has not been reported in the literature in individuals affected with MYH14-related conditions. This variant is not present in population databases (gnomAD no frequency).